The following is an entry in ClinVar:

ClinVar aggregate classification (germline): Uncertain significance. Review status: criteria provided, multiple submitters, no conflicts (2 of 4 stars). 2 submissions from 2 submitters: Uncertain significance (2). Last evaluated 2025-09-05.

Allele frequency attached by ClinVar (database versions not stated): gnomAD 0.00001 and 0.00002; TOPMed 0.00003; ExAC 0.00008; ESP Exome Variant Server 0.00008; gnomAD exomes 0.00008 and 0.00009.
gnomAD v4.1: 122 of 1,613,964 alleles (0.0076%); highest among the groups gnomAD compares: Middle Eastern, 0.38%; no homozygotes.

Submissions (2):

Labcorp Genetics (formerly Invitae), Labcorp
Classification: Uncertain significance. Last evaluated: 2025-09-05. Review status: criteria provided, single submitter. Criteria: Invitae Variant Classification Sherloc (09022015). Collection method: clinical testing. Allele origin: germline.
Comment: This sequence change replaces tryptophan, which is neutral and slightly polar, with arginine, which is basic and polar, at codon 199 of the MAP3K8 protein (p.Trp199Arg). This variant is present in population databases (rs146749791, gnomAD 0.02%). This variant has not been reported in the literature in individuals affected with MAP3K8-related conditions. ClinVar contains an entry for this variant (Variation ID: 1502066). An algorithm developed to predict the effect of missense changes on protein structure and function (PolyPhen-2) suggests that this variant is likely to be disruptive. In summary, the available evidence is currently insufficient to determine the role of this variant in disease. Therefore, it has been classified as a Variant of Uncertain Significance.

Breakthrough Genomics
Classification: Uncertain significance. Review status: criteria provided, single submitter. Criteria: ACMG Guidelines, 2015. Collection method: not provided. Allele origin: germline. Inheritance: Autosomal dominant inheritance. Affected: yes.

NM_005204.4(MAP3K8):c.595T>A (p.Trp199Arg)

Gene: MAP3K8 (mitogen-activated protein kinase kinase kinase 8; plus strand). Cytogenetic location: 10p11.23.
Variant type: single nucleotide variant.
Coding change: c.595T>A on transcript NM_005204.4 (MANE Select); coding-DNA position 595, T replaced by A.
Protein change: p.Trp199Arg; replaces tryptophan 199 with arginine.
Molecular consequence: missense variant.
Genome position (GRCh38, 1-based): chr10:30,450,348, T>A. VCF-style: chr10-30450348-T-A. GRCh37 (hg19) VCF-style: chr10-30739277-T-A.
Other names: c.595T>A, p.Trp199Arg (NM_001244134.1, NM_001320961.2); short protein forms W199R.
Identifiers: ClinVar variation 1502066 (VCV001502066.7), dbSNP rs146749791, ClinGen allele CA5459702.
Genomic context (GRCh38, chr10:30,450,348, plus strand): 5'-GTGGAAATCCAGGCTTGCTTCCGGCACGAGAACATCGCAGAGCTGTATGGCGCAGTCCTG[T>A]GGGGTGAAACTGTCCATCTCTTTATGGAAGCAGGCGAGGGAGGGTCTGTTCTGGAGAAAC-3'
Protein context (NP_005195.2, residues 189-209): NIAELYGAVL[Trp199Arg]GETVHLFMEA